The following is an entry in ClinVar:

NM_001263.4(CDS1):c.723-9T>A

Gene: CDS1 (CDP-diacylglycerol synthase 1; plus strand). Cytogenetic location: 4q21.23.
Variant type: single nucleotide variant.
Coding change: c.723-9T>A on transcript NM_001263.4 (MANE Select); 9 bases into the intron before coding-DNA position 723, T replaced by A.
Molecular consequence: intron variant.
Genome position (GRCh38, 1-based): chr4:84,635,255, T>A. VCF-style: chr4-84635255-T-A. GRCh37 (hg19) VCF-style: chr4-85556408-T-A.
Other names: NC_000004.11:g.85556408T>A.
Identifiers: ClinVar variation 3049585 (VCV003049585.3), dbSNP rs376285323, ClinGen allele CA2991690.

ClinVar aggregate classification (germline): Benign (0 of 4 stars; one submission).

Conditions:
CDS1-related disorder. Also called: CDS1-related condition.

Allele frequency attached by ClinVar (database versions not stated): TOPMed 0.00097; gnomAD 0.00120; gnomAD exomes 0.00249; ExAC 0.00294; 1000 Genomes Project 0.06809.

Submissions (5):

PreventionGenetics, part of Exact Sciences
Classification: Benign for CDS1-related condition. Last evaluated: 2019-08-14. Review status: no assertion criteria provided. Collection method: clinical testing. Allele origin: germline.
Comment: This variant is classified as benign based on ACMG/AMP sequence variant interpretation guidelines (Richards et al. 2015 PMID: 25741868, with internal and published modifications).

Dr. Peter K. Rogan Lab, Western University
No classification provided (evidence only). Condition: Uterine corpus endometrial carcinoma. Review status: no classification provided. Collection method: in vitro. Allele origin: not applicable. Functional consequence: retained intron. Not counted in ClinVar's aggregate classification.

Dr. Peter K. Rogan Lab, Western University
No classification provided (evidence only). Condition: Gastric cancer. Review status: no classification provided. Collection method: in vitro. Allele origin: not applicable. Functional consequence: retained intron. Not counted in ClinVar's aggregate classification.

Dr. Peter K. Rogan Lab, Western University
No classification provided (evidence only). Condition: Gastric cancer. Review status: no classification provided. Collection method: in vitro. Allele origin: not applicable. Functional consequence: retained intron. Not counted in ClinVar's aggregate classification.

Dr. Peter K. Rogan Lab, Western University
No classification provided (evidence only). Condition: Lymphoma. Review status: no classification provided. Collection method: in vitro. Allele origin: not applicable. Functional consequence: retained intron. Not counted in ClinVar's aggregate classification.